The following is an entry in ClinVar:

ClinVar aggregate classification (germline): Benign (0 of 4 stars; one submission).

Conditions:
CUL9-related disorder. Also called: CUL9-related condition.

Allele frequency attached by ClinVar (database versions not stated): ExAC 0.00258; gnomAD 0.00703; ESP Exome Variant Server 0.00784; TOPMed 0.00802; 1000 Genomes Project 0.00879; 1000 Genomes Project 30x 0.00968.
gnomAD v4.1: 2,317 of 1,614,238 alleles (0.14%); highest among the groups gnomAD compares: African/African-American, 2.4%; 12 homozygotes.

Submission:

PreventionGenetics, part of Exact Sciences
Classification: Benign for CUL9-related condition. Last evaluated: 2019-02-19. Review status: no assertion criteria provided. Collection method: clinical testing. Allele origin: germline.
Comment: This variant is classified as benign based on ACMG/AMP sequence variant interpretation guidelines (Richards et al. 2015 PMID: 25741868, with internal and published modifications).

NM_015089.4(CUL9):c.3615C>A (p.Ile1205=)

Gene: CUL9 (cullin 9; plus strand). Cytogenetic location: 6p21.1.
Variant type: single nucleotide variant.
Coding change: c.3615C>A on transcript NM_015089.4 (MANE Select); coding-DNA position 3615, C replaced by A.
Protein change: p.Ile1205=; no amino-acid change (isoleucine 1205 retained).
Molecular consequence: synonymous variant.
Genome position (GRCh38, 1-based): chr6:43,200,802, C>A. VCF-style: chr6-43200802-C-A. GRCh37 (hg19) VCF-style: chr6-43168540-C-A.
Identifiers: ClinVar variation 3044662 (VCV003044662.2), dbSNP rs2841640, ClinGen allele CA3817886.